The following is an entry in ClinVar:

ClinVar aggregate classification (germline): Uncertain significance (1 of 4 stars; one submission).

Allele frequency attached by ClinVar (database versions not stated): TOPMed below 0.00001.

Submission:

Labcorp Genetics (formerly Invitae), Labcorp
Classification: Uncertain significance. Last evaluated: 2023-09-25. Review status: criteria provided, single submitter. Criteria: Invitae Variant Classification Sherloc (09022015). Collection method: clinical testing. Allele origin: germline.
Comment: ClinVar contains an entry for this variant (Variation ID: 2087286). In summary, the available evidence is currently insufficient to determine the role of this variant in disease. Therefore, it has been classified as a Variant of Uncertain Significance. Advanced modeling of protein sequence and biophysical properties (such as structural, functional, and spatial information, amino acid conservation, physicochemical variation, residue mobility, and thermodynamic stability) performed at Invitae indicates that this missense variant is not expected to disrupt FLVCR1 protein function. This variant has not been reported in the literature in individuals affected with FLVCR1-related conditions. This variant is not present in population databases (gnomAD no frequency). This sequence change replaces valine, which is neutral and non-polar, with leucine, which is neutral and non-polar, at codon 451 of the FLVCR1 protein (p.Val451Leu).

NM_014053.4(FLVCR1):c.1351G>C (p.Val451Leu)

Gene: FLVCR1 (FLVCR choline and heme transporter 1; plus strand). Cytogenetic location: 1q32.3.
Variant type: single nucleotide variant.
Coding change: c.1351G>C on transcript NM_014053.4 (MANE Select); coding-DNA position 1351, G replaced by C.
Protein change: p.Val451Leu; replaces valine 451 with leucine.
Molecular consequence: missense variant.
Genome position (GRCh38, 1-based): chr1:212,888,532, G>C. VCF-style: chr1-212888532-G-C. GRCh37 (hg19) VCF-style: chr1-213061874-G-C.
Other names: short protein forms V451L.
Identifiers: ClinVar variation 2087286 (VCV002087286.4), dbSNP rs1665114266, ClinGen allele CA344793277.